The following is an entry in ClinVar:

NM_000020.3(ACVRL1):c.225G>C (p.Glu75Asp)

Gene: ACVRL1 (activin A receptor like type 1; plus strand). Cytogenetic location: 12q13.13.
Variant type: single nucleotide variant.
Coding change: c.225G>C on transcript NM_000020.3 (MANE Select); coding-DNA position 225, G replaced by C.
Protein change: p.Glu75Asp; replaces glutamic acid 75 with aspartic acid.
Molecular consequence: missense variant.
Genome position (GRCh38, 1-based): chr12:51,913,262, G>C. VCF-style: chr12-51913262-G-C. GRCh37 (hg19) VCF-style: chr12-52307046-G-C.
Other names: c.225G>C, p.Glu75Asp (NM_001077401.2); short protein forms E75D.
Identifiers: ClinVar variation 1315220 (VCV001315220.2), dbSNP rs1940737426, ClinGen allele CA384897944.
Genomic context (GRCh38, chr12:51,913,262, plus strand): 5'-GGTGCGGGAGGAGGGGAGGCACCCCCAGGAACATCGGGGCTGCGGGAACTTGCACAGGGA[G>C]CTCTGCAGGGGGCGCCCCACCGAGTTCGTCAACCACTACTGCTGCGACAGCCACCTCTGC-3'
Protein context (NP_000011.2, residues 65-85): EHRGCGNLHR[Glu75Asp]LCRGRPTEFV

ClinVar aggregate classification (germline): Uncertain significance (1 of 4 stars; one submission).

Allele frequency attached by ClinVar (database versions not stated): gnomAD exomes below 0.00001.

Submission:

GeneDx
Classification: Uncertain significance. Last evaluated: 2020-01-20. Review status: criteria provided, single submitter. Criteria: GeneDx Variant Classification Process June 2021. Collection method: clinical testing. Allele origin: germline. Affected: yes.
Comment: Not observed in large population cohorts (Lek et al., 2016); In silico analysis, which includes protein predictors and evolutionary conservation, supports that this variant does not alter protein structure/function; Has not been previously published as pathogenic or benign to our knowledge